The following is an entry in ClinVar:

NM_003482.4(KMT2D):c.11981A>G (p.Gln3994Arg)

Gene: KMT2D (lysine methyltransferase 2D; minus strand). Cytogenetic location: 12q13.12.
Variant type: single nucleotide variant.
Coding change: c.11981A>G on transcript NM_003482.4 (MANE Select); coding-DNA position 11981, A replaced by G.
Protein change: p.Gln3994Arg; replaces glutamine 3994 with arginine.
Molecular consequence: missense variant.
Genome position (GRCh38, 1-based): chr12:49,032,724, T>C on the plus strand (A>G on the coding strand, the complement: KMT2D is on the minus strand). VCF-style: chr12-49032724-T-C. GRCh37 (hg19) VCF-style: chr12-49426507-T-C.
Other names: short protein forms Q3994R.
Identifiers: ClinVar variation 3012956 (VCV003012956.3), dbSNP rs1942987503, ClinGen allele CA384713580.

ClinVar aggregate classification (germline): Uncertain significance (1 of 4 stars; one submission).

Conditions:
Kabuki syndrome. Also called: Kabuki make-up syndrome; NIIKAWA-KUROKI SYNDROME. Identifiers: Orphanet 2322, MedGen C0796004, MONDO:0016512.

Allele frequency attached by ClinVar (database versions not stated): gnomAD exomes below 0.00001; TOPMed below 0.00001.
gnomAD v4.1: 1 of 1,606,536 alleles (0.000062%); highest among the groups gnomAD compares: Admixed American, 0.0017%; no homozygotes.

Submission:

Labcorp Genetics (formerly Invitae), Labcorp
Classification: Uncertain significance for Kabuki syndrome. Last evaluated: 2023-03-04. Review status: criteria provided, single submitter. Criteria: Invitae Variant Classification Sherloc (09022015). Collection method: clinical testing. Allele origin: germline.
Comment: This sequence change replaces glutamine, which is neutral and polar, with arginine, which is basic and polar, at codon 3994 of the KMT2D protein (p.Gln3994Arg). This variant is not present in population databases (gnomAD no frequency). This variant has not been reported in the literature in individuals affected with KMT2D-related conditions. Advanced modeling of protein sequence and biophysical properties (such as structural, functional, and spatial information, amino acid conservation, physicochemical variation, residue mobility, and thermodynamic stability) performed at Invitae indicates that this missense variant is not expected to disrupt KMT2D protein function. In summary, the available evidence is currently insufficient to determine the role of this variant in disease. Therefore, it has been classified as a Variant of Uncertain Significance.